The following is an entry in ClinVar:

ClinVar aggregate classification (germline): Likely pathogenic (1 of 4 stars; one submission).

Submission:

Labcorp Genetics (formerly Invitae), Labcorp
Classification: Likely pathogenic. Last evaluated: 2020-12-05. Review status: criteria provided, single submitter. Criteria: Invitae Variant Classification Sherloc (09022015). Collection method: clinical testing. Allele origin: germline.
Comment: This variant is not present in population databases (ExAC no frequency). In summary, the currently available evidence indicates that the variant is pathogenic, but additional data are needed to prove that conclusively. Therefore, this variant has been classified as Likely Pathogenic. This variant disrupts the p.Asn78 amino acid residue in RHO. Other variant(s) that disrupt this residue have been determined to be pathogenic (PMID: 23402891, 30977563, 19958124). This suggests that this residue is clinically significant, and that variants that disrupt this residue are likely to be disease-causing. Advanced modeling of protein sequence and biophysical properties (such as structural, functional, and spatial information, amino acid conservation, physicochemical variation, residue mobility, and thermodynamic stability) performed at Invitae indicates that this missense variant is expected to disrupt RHO protein function. This variant has been observed in individual(s) with clinical features of autosomal dominant retinitis pigmentosa (Invitae). This sequence change replaces asparagine with tyrosine at codon 78 of the RHO protein (p.Asn78Tyr). The asparagine residue is highly conserved and there is a large physicochemical difference between asparagine and tyrosine.

Literature cited by the submitters: PubMed 23402891; PubMed 30977563; PubMed 19958124.

NM_000539.3(RHO):c.232A>T (p.Asn78Tyr)

Gene: RHO (rhodopsin; plus strand). Cytogenetic location: 3q22.1.
Variant type: single nucleotide variant.
Coding change: c.232A>T on transcript NM_000539.3 (MANE Select); coding-DNA position 232, A replaced by T.
Protein change: p.Asn78Tyr; replaces asparagine 78 with tyrosine.
Molecular consequence: missense variant.
Genome position (GRCh38, 1-based): chr3:129,528,965, A>T. VCF-style: chr3-129528965-A-T. GRCh37 (hg19) VCF-style: chr3-129247808-A-T.
Other names: short protein forms N78Y.
Identifiers: ClinVar variation 1499138 (VCV001499138.8), dbSNP rs1248203737, ClinGen allele CA354496422.